The following is an entry in ClinVar:

NM_000334.4(SCN4A):c.3604G>C (p.Glu1202Gln)

Genes: GH-LCR (growth hormone locus control region; plus strand), SCN4A (sodium voltage-gated channel alpha subunit 4; minus strand). Cytogenetic location: 17q23.3.
Variant type: single nucleotide variant.
Coding change: c.3604G>C on transcript NM_000334.4 (MANE Select); coding-DNA position 3604, G replaced by C.
Protein change: p.Glu1202Gln; replaces glutamic acid 1202 with glutamine.
Molecular consequence: missense variant.
Genome position (GRCh38, 1-based): chr17:63,945,476, C>G on the plus strand (G>C on the coding strand, the complement: SCN4A is on the minus strand). VCF-style: chr17-63945476-C-G. GRCh37 (hg19) VCF-style: chr17-62022836-C-G.
Other names: short protein forms E1202Q.
Identifiers: ClinVar variation 3695188 (VCV003695188.2).

ClinVar aggregate classification (germline): Uncertain significance (1 of 4 stars; one submission).

Conditions:
Hyperkalemic periodic paralysis. Also called: Familial hyperkalemic periodic paralysis; Gamstorp disease. Identifiers: Orphanet 682, MedGen C0238357, MONDO:0008224, OMIM 170500, HP:0007215.

gnomAD v4.1: 1 of 1,613,960 alleles (0.000062%); highest among the groups gnomAD compares: South Asian, 0.0011%; no homozygotes.

Submission:

Labcorp Genetics (formerly Invitae), Labcorp
Classification: Uncertain significance for Hyperkalemic periodic paralysis. Last evaluated: 2024-08-28. Review status: criteria provided, single submitter. Criteria: Invitae Variant Classification Sherloc (09022015). Collection method: clinical testing. Allele origin: germline.
Comment: This sequence change replaces glutamic acid, which is acidic and polar, with glutamine, which is neutral and polar, at codon 1202 of the SCN4A protein (p.Glu1202Gln). This variant is not present in population databases (gnomAD no frequency). This variant has not been reported in the literature in individuals affected with SCN4A-related conditions. Invitae Evidence Modeling of protein sequence and biophysical properties (such as structural, functional, and spatial information, amino acid conservation, physicochemical variation, residue mobility, and thermodynamic stability) indicates that this missense variant is not expected to disrupt SCN4A protein function with a negative predictive value of 95%. In summary, the available evidence is currently insufficient to determine the role of this variant in disease. Therefore, it has been classified as a Variant of Uncertain Significance.